The following is an entry in ClinVar:

ClinVar aggregate classification (germline): Uncertain significance. Review status: criteria provided, multiple submitters, no conflicts (2 of 4 stars). 6 submissions from 6 submitters: Uncertain significance (5). 1 of the submissions does not count toward it. Last evaluated 2026-04-13.

Conditions:
Inborn genetic diseases. Identifiers: MedGen C0950123, MeSH D030342.
BMP1-related disorder. Also called: BMP1-related condition.
Osteogenesis imperfecta type 13. Also called: OI, TYPE XIII; Osteogenesis imperfecta, type xiii. Identifiers: Orphanet 666, MedGen C3553887, MONDO:0013924, OMIM 614856.
Osteogenesis imperfecta (OI). Identifiers: Orphanet 666, MedGen C0029434, MeSH D010013, MONDO:0019019.

Allele frequency attached by ClinVar (database versions not stated): TOPMed 0.00015; gnomAD 0.00017 and 0.00018; ESP Exome Variant Server 0.00023.
gnomAD v4.1: 288 of 1,614,092 alleles (0.018%); highest among the groups gnomAD compares: South Asian, 0.026%; no homozygotes.

Submissions (6):

Women's Health and Genetics/Laboratory Corporation of America, LabCorp
Classification: Uncertain significance. Last evaluated: 2026-04-13. Review status: criteria provided, single submitter. Criteria: LabCorp Variant Classification Summary - May 2015. Collection method: clinical testing. Allele origin: germline.
Comment: Variant summary: BMP1 c.2446C>G (p.Pro816Ala) results in a non-conservative amino acid change in the encoded protein sequence. Algorithms developed to predict the effect of missense changes on protein structure and function are either unavailable or do not agree on the potential impact of this missense change. The variant allele was found at a frequency of 0.00015 in 251178 control chromosomes. This frequency is not significantly higher than estimated for disease-causing variants in BMP1, allowing no conclusion about variant significance. c.2446C>G has been observed in individual(s) affected with hypermobile Ehlers- Danlos syndrome without evidence for causality (e.g. Vandersteen_2024). These report(s) do not provide unequivocal conclusions about association of the variant with Osteogenesis Imperfecta. To our knowledge, no experimental evidence demonstrating an impact on protein function has been reported. The following publication has been ascertained in the context of this evaluation (PMID: 37813462). ClinVar contains an entry for this variant (Variation ID: 1385566). Based on the evidence outlined above, the variant was classified as uncertain significance.

Ambry Genetics
Classification: Uncertain significance for Inborn genetic diseases. Last evaluated: 2025-03-07. Review status: criteria provided, single submitter. Criteria: Ambry Variant Classification Scheme 2023. Collection method: clinical testing. Allele origin: germline.

Foundation for Research in Genetics and Endocrinology, FRIGE's Institute of Human Genetics
Classification: Uncertain significance for Osteogenesis imperfecta type 13. Last evaluated: 2022-10-29. Review status: criteria provided, single submitter. Criteria: ACMG Guidelines, 2015. Collection method: clinical testing. Allele origin: germline. Inheritance: Autosomal recessive inheritance. Affected: yes. Observed: 1 heterozygote.
Comment: A heterozygous missense variation in exon 18 of the BMP1 gene that results in the amino acid substitution of Alanine for Proline at codon 816 was detected.The p.Pro816Ala variant has not been reported in the 1000 genomes databases and has a minor allele frequency of 0.02% in the gnomAD databases . The in silico prediction# of the variant is damaging MutationTaster2. The reference codon is conserved across species. In summary, the variant meets our criteria to be classified as a variant of uncertain significance.

Labcorp Genetics (formerly Invitae), Labcorp
Classification: Uncertain significance. Last evaluated: 2022-08-08. Review status: criteria provided, single submitter. Criteria: Invitae Variant Classification Sherloc (09022015). Collection method: clinical testing. Allele origin: germline.
Comment: This sequence change replaces proline, which is neutral and non-polar, with alanine, which is neutral and non-polar, at codon 816 of the BMP1 protein (p.Pro816Ala). This variant is present in population databases (rs150161793, gnomAD 0.02%). This variant has not been reported in the literature in individuals affected with BMP1-related conditions. ClinVar contains an entry for this variant (Variation ID: 1385566). Algorithms developed to predict the effect of missense changes on protein structure and function are either unavailable or do not agree on the potential impact of this missense change (SIFT: "Deleterious"; PolyPhen-2: "Benign"; Align-GVGD: "Class C25"). In summary, the available evidence is currently insufficient to determine the role of this variant in disease. Therefore, it has been classified as a Variant of Uncertain Significance.

Genome Diagnostics Laboratory, The Hospital for Sick Children
Classification: Uncertain significance for Osteogenesis imperfecta. Last evaluated: 2019-04-01. Review status: criteria provided, single submitter. Criteria: ACMG Guidelines, 2015. Collection method: clinical testing. Allele origin: germline.

PreventionGenetics, part of Exact Sciences
Classification: Uncertain significance for BMP1-related condition. Last evaluated: 2023-11-16. Review status: no assertion criteria provided. Collection method: clinical testing. Allele origin: germline. Not counted in ClinVar's aggregate classification.
Comment: The BMP1 c.2446C>G variant is predicted to result in the amino acid substitution p.Pro816Ala. To our knowledge, this variant has not been reported in the literature. This variant is reported in 0.026% of alleles in individuals of South Asian descent in gnomAD. At this time, the clinical significance of this variant is uncertain due to the absence of conclusive functional and genetic evidence.

Literature cited by the submitters: PubMed 37813462 (cited by Women's Health and Genetics/Laboratory Corporation of America, LabCorp).

NM_006129.5(BMP1):c.2446C>G (p.Pro816Ala)

Gene: BMP1 (bone morphogenetic protein 1; plus strand). Cytogenetic location: 8p21.3.
Variant type: single nucleotide variant.
Coding change: c.2446C>G on transcript NM_006129.5 (MANE Select); coding-DNA position 2446, C replaced by G.
Protein change: p.Pro816Ala; replaces proline 816 with alanine.
Molecular consequence: missense variant. On other transcripts: non-coding transcript variant (1).
Genome position (GRCh38, 1-based): chr8:22,207,387, C>G. VCF-style: chr8-22207387-C-G. GRCh37 (hg19) VCF-style: chr8-22064900-C-G.
Other names: p.Pro816Ala; short protein forms P816A.
Identifiers: ClinVar variation 1385566 (VCV001385566.14), dbSNP rs150161793, ClinGen allele CA4665253.